The following is an entry in ClinVar:

NM_012470.4(TNPO3):c.182A>G (p.Tyr61Cys)

Gene: TNPO3 (transportin 3; minus strand). Cytogenetic location: 7q32.1.
Variant type: single nucleotide variant.
Coding change: c.182A>G on transcript NM_012470.4 (MANE Select); coding-DNA position 182, A replaced by G.
Protein change: p.Tyr61Cys; replaces tyrosine 61 with cysteine.
Molecular consequence: missense variant. On other transcripts: non-coding transcript variant (18).
Genome position (GRCh38, 1-based): chr7:129,018,096, T>C on the plus strand (A>G on the coding strand, the complement: TNPO3 is on the minus strand). VCF-style: chr7-129018096-T-C. GRCh37 (hg19) VCF-style: chr7-128658150-T-C.
Other names: c.182A>G, p.Tyr61Cys (NM_001191028.3, NM_001382216.1, NM_001382217.1 and 6 more transcripts); short protein forms Y61C.
Identifiers: ClinVar variation 844535 (VCV000844535.13), dbSNP rs1804048768, ClinGen allele CA369248987.

ClinVar aggregate classification (germline): Uncertain significance (1 of 4 stars; one submission).

Conditions:
Autosomal dominant limb-girdle muscular dystrophy type 1F (LGMDD2). Also called: Limb-girdle muscular dystrophy, type 1F; MUSCULAR DYSTROPHY, LIMB-GIRDLE, AUTOSOMAL DOMINANT 2. Identifiers: Orphanet 55595, MedGen C1842062, MONDO:0012034, OMIM 608423.

Allele frequency attached by ClinVar (database versions not stated): gnomAD exomes below 0.00001.
gnomAD v4.1: 1 of 1,614,132 alleles (0.000062%); highest among the groups gnomAD compares: Non-Finnish European, 0.000085%; no homozygotes.

Submission:

Labcorp Genetics (formerly Invitae), Labcorp
Classification: Uncertain significance for Autosomal dominant limb-girdle muscular dystrophy type 1F. Last evaluated: 2022-05-15. Review status: criteria provided, single submitter. Criteria: Invitae Variant Classification Sherloc (09022015). Collection method: clinical testing. Allele origin: germline.
Comment: This sequence change replaces tyrosine, which is neutral and polar, with cysteine, which is neutral and slightly polar, at codon 61 of the TNPO3 protein (p.Tyr61Cys). In summary, the available evidence is currently insufficient to determine the role of this variant in disease. Therefore, it has been classified as a Variant of Uncertain Significance. Algorithms developed to predict the effect of missense changes on protein structure and function (SIFT, PolyPhen-2, Align-GVGD) all suggest that this variant is likely to be disruptive. ClinVar contains an entry for this variant (Variation ID: 844535). This variant has not been reported in the literature in individuals affected with TNPO3-related conditions. This variant is not present in population databases (gnomAD no frequency).